The following is an entry in ClinVar:

ClinVar aggregate classification (germline): Likely benign (1 of 4 stars; one submission).

gnomAD v4.1: 28 of 1,207,319 alleles (0.0023%); highest among the groups gnomAD compares: Admixed American, 0.0088%; no homozygotes.

Submission:

CeGaT Center for Human Genetics Tuebingen
Classification: Likely benign. Last evaluated: 2026-09-01. Review status: criteria provided, single submitter. Criteria: CeGaT Center For Human Genetics Tuebingen Variant Classification Criteria Version 2. Collection method: clinical testing. Allele origin: germline. Affected: yes. Observed: 1 variant allele.
Comment: PORCN: BP4, BP7, BS2

NM_203475.3(PORCN):c.351C>T (p.Thr117=)

Gene: PORCN (porcupine O-acyltransferase; plus strand). Cytogenetic location: Xp11.23.
Variant type: single nucleotide variant.
Coding change: c.351C>T on transcript NM_203475.3 (MANE Select); coding-DNA position 351, C replaced by T.
Protein change: p.Thr117=; no amino-acid change (threonine 117 retained).
Molecular consequence: synonymous variant. On other transcripts: non-coding transcript variant (2).
Genome position (GRCh38, 1-based): chrX:48,511,913, C>T. VCF-style: chrX-48511913-C-T. GRCh37 (hg19) VCF-style: chrX-48370301-C-T.
Other names: c.690C>T, p.Thr230= (NM_001441333.1, NM_001441334.1); c.456C>T, p.Thr152= (NM_001441335.1); c.543C>T, p.Thr181= (NM_001441336.1); c.351C>T, p.Thr117= (NM_022825.4, NM_203473.3, NM_203474.1); c.138C>T, p.Thr46= (NM_001282167.2).
Identifiers: ClinVar variation 5040933 (VCV005040933.1).
Genomic context (GRCh38, chrX:48,511,913, plus strand): 5'-TGAGTGTCATGGGACCAAGACCAGCACCTTTTTCCTCAGTGAGATGCACATGGTAGACAC[C>T]GTGACATGGCACAAGATGCGAGGTAGGTAGCCCTGCCCCTCTCACCTGCCCAACCCCCCT-3'
Protein context (NP_982301.1, residues 107-127): LLMGEMHMVD[Thr117=]VTWHKMRGAQ